The following is an entry in ClinVar:

ClinVar aggregate classification (germline): Uncertain significance. Review status: criteria provided, multiple submitters, no conflicts (2 of 4 stars). 2 submissions from 2 submitters: Uncertain significance (2). Last evaluated 2026-04-14.

Conditions:
Familial intrahepatic cholestasis. Identifiers: Orphanet 284385, MedGen CN296401, MONDO:0017290.

Submissions (2):

Genomenon, Inc
Classification: Uncertain significance for Familial intrahepatic cholestasis. Last evaluated: 2026-04-14. Review status: criteria provided, single submitter. Criteria: Genomenon Sequence Variant Interpretation Standards - Updated. Collection method: curation. Allele origin: germline. Affected: yes.
Comment: ABCB4 p.Gly602Trp (c.1804G>T) is a missense variant that changes the amino acid at residue 602 from Glycine to Tryptophan. This variant has been observed in at least one proband with an ABCB4-related disorder (PMID:25593501). It is absent or not present at a significant frequency in gnomAD. In silico models predict that this variant is possibly or probably damaging. In conclusion, we classify ABCB4 p.Gly602Trp (c.1804G>T) as a variant of uncertain significance.

Labcorp Genetics (formerly Invitae), Labcorp
Classification: Uncertain significance. Last evaluated: 2026-01-11. Review status: criteria provided, single submitter. Criteria: Invitae Variant Classification Sherloc (09022015). Collection method: clinical testing. Allele origin: germline.
Comment: This sequence change replaces glycine, which is neutral and non-polar, with tryptophan, which is neutral and slightly polar, at codon 602 of the ABCB4 protein (p.Gly602Trp). This variant is not present in population databases (gnomAD no frequency). This missense change has been observed in individual(s) with progressive familial intrahepatic cholestasis type 3 (PMID: 25593501). Invitae Evidence Modeling of protein sequence and biophysical properties (such as structural, functional, and spatial information, amino acid conservation, physicochemical variation, residue mobility, and thermodynamic stability) indicates that this missense variant is expected to disrupt ABCB4 protein function with a positive predictive value of 80%. In summary, the available evidence is currently insufficient to determine the role of this variant in disease. Therefore, it has been classified as a Variant of Uncertain Significance.

Literature cited by the submitters: PubMed 25593501 (cited by Genomenon, Inc and Labcorp Genetics (formerly Invitae), Labcorp).

NM_000443.4(ABCB4):c.1804G>T (p.Gly602Trp)

Gene: ABCB4 (ATP binding cassette subfamily B member 4; minus strand). Cytogenetic location: 7q21.12.
Variant type: single nucleotide variant.
Coding change: c.1804G>T on transcript NM_000443.4 (MANE Select); coding-DNA position 1804, G replaced by T.
Protein change: p.Gly602Trp; replaces glycine 602 with tryptophan.
Molecular consequence: missense variant.
Genome position (GRCh38, 1-based): chr7:87,431,493, C>A on the plus strand (G>T on the coding strand, the complement: ABCB4 is on the minus strand). VCF-style: chr7-87431493-C-A. GRCh37 (hg19) VCF-style: chr7-87060809-C-A.
Other names: c.1804G>T, p.Gly602Trp (NM_018849.3, NM_018850.3); short protein forms G602W.
Identifiers: ClinVar variation 4709511 (VCV004709511.2).